The following is an entry in ClinVar:

ClinVar aggregate classification (germline): Benign. Review status: reviewed by expert panel (3 of 4 stars). 18 submissions from 18 submitters: Benign (1). 17 of the submissions do not count toward it. Last evaluated 2020-01-22.

Conditions:
Cardiovascular phenotype. Identifiers: MedGen CN230736.
Glycogen storage disease, type II (IOPD). Also called: POMPE DISEASE, INFANTILE-ONSET; GLYCOGEN STORAGE DISEASE II, INFANTILE-ONSET; ACID ALPHA-GLUCOSIDASE DEFICIENCY, INFANTILE-ONSET; GAA DEFICIENCY, INFANTILE-ONSET; ACID MALTASE DEFICIENCY, INFANTILE-ONSET; Pompe Disease. Identifiers: Orphanet 365, MedGen C0017921, MONDO:0009290, OMIM 232300.

Allele frequency attached by ClinVar (database versions not stated): 1000 Genomes Project 30x 0.60072; TOPMed 0.63743; ESP Exome Variant Server 0.67241; 1000 Genomes Project 0.60244; gnomAD 0.65662 and 0.65654; gnomAD exomes 0.66639; ExAC 0.67599.
gnomAD v4.1: 1,130,039 of 1,600,590 alleles (71%); highest among the groups gnomAD compares: Middle Eastern, 80%; 402,766 homozygotes.

Submissions (18):

ClinGen Lysosomal Storage Disorder Variant Curation Expert Panel
Classification: Benign for Glycogen storage disease, type II. Last evaluated: 2020-01-22. Review status: reviewed by expert panel. Criteria: ClinGen LSD ACMG Specifications v1. Collection method: curation. Allele origin: germline. Inheritance: Autosomal recessive inheritance.
Comment: The highest continental population minor allele frequency for c.668G>A (p.Arg223His) in gnomAD v2.1.1 is 0.74034 in the European non-Finnish population. This is higher than the ClinGen LSD VCEP's BA1 threshold (>0.01), therefore meeting the BA1 criterion. There is a ClinVar entry for this variant (Variation ID: 92488; 2 star review status) with six submitters classifying the variant as benign, and one as likely benign. In summary, this variant meets the criteria to be classified as benign for Pompe disease. GAA-specific ACMG/AMP criteria applied, as specified by the ClinGen LSD VCEP: BA1.

Labcorp Genetics (formerly Invitae), Labcorp
Classification: Benign for Glycogen storage disease, type II. Last evaluated: 2026-02-04. Review status: criteria provided, single submitter. Criteria: Invitae Variant Classification Sherloc (09022015). Collection method: clinical testing. Allele origin: germline. Not counted in ClinVar's aggregate classification.

Blueprint Genetics
Classification: Benign. Last evaluated: 2024-11-28. Review status: criteria provided, single submitter. Criteria: ACMG Guidelines, 2015. Collection method: clinical testing. Allele origin: germline. Not counted in ClinVar's aggregate classification.

Genome-Nilou Lab
Classification: Benign for Glycogen storage disease, type II. Last evaluated: 2021-06-10. Review status: criteria provided, single submitter. Criteria: ACMG Guidelines, 2015. Collection method: clinical testing. Allele origin: germline. Affected: no. Not counted in ClinVar's aggregate classification.

Ambry Genetics
Classification: Benign for Cardiovascular phenotype. Last evaluated: 2018-12-11. Review status: criteria provided, single submitter. Criteria: Ambry Variant Classification Scheme 2023. Collection method: clinical testing. Allele origin: germline. Not counted in ClinVar's aggregate classification.

Eurofins Ntd Llc (ga)
Classification: Benign. Last evaluated: 2018-09-04. Review status: criteria provided, single submitter. Criteria: EGL ClinVar v180209 classification definitions. Collection method: clinical testing. Allele origin: germline. Observed: 110 variant alleles, 61 heterozygotes, 49 homozygotes. Not counted in ClinVar's aggregate classification.

Illumina Laboratory Services, Illumina
Classification: Benign for Glycogen storage disease, type II. Last evaluated: 2018-01-13. Review status: criteria provided, single submitter. Criteria: ICSL Variant Classification Criteria 13 December 2019. Collection method: clinical testing. Allele origin: germline. Not counted in ClinVar's aggregate classification.
Comment: This variant was observed in the ICSL laboratory as part of a predisposition screen in an ostensibly healthy population. It had not been previously curated by ICSL or reported in the Human Gene Mutation Database (HGMD: prior to June 1st, 2018), and was therefore a candidate for classification through an automated scoring system. Utilizing variant allele frequency, disease prevalence and penetrance estimates, and inheritance mode, an automated score was calculated to assess if this variant is too frequent to cause the disease. Based on the score and internal cut-off values, a variant classified as benign is not then subjected to further curation. The score for this variant resulted in a classification of benign for this disease.

GeneDx
Classification: Benign. Last evaluated: 2015-03-03. Review status: criteria provided, single submitter. Criteria: GeneDx Variant Classification Process June 2021. Collection method: clinical testing. Allele origin: germline. Affected: yes. Not counted in ClinVar's aggregate classification.

Genetic Services Laboratory, University of Chicago
Classification: Benign for AllHighlyPenetrant. Last evaluated: 2013-08-15. Review status: criteria provided, single submitter. Criteria: ACMG Guidelines, 2007. Collection method: clinical testing. Allele origin: germline. Inheritance: Autosomal recessive inheritance. Not counted in ClinVar's aggregate classification.

Breakthrough Genomics
Classification: Benign. Review status: criteria provided, single submitter. Criteria: ACMG Guidelines, 2015. Collection method: not provided. Allele origin: germline. Inheritance: Autosomal recessive inheritance. Affected: yes. Not counted in ClinVar's aggregate classification.

PreventionGenetics, part of Exact Sciences
Classification: Benign. Review status: criteria provided, single submitter. Criteria: ACMG Guidelines, 2015. Collection method: clinical testing. Allele origin: germline. Not counted in ClinVar's aggregate classification.

Natera, Inc.
Classification: Benign for Glycogen storage disease type II. Last evaluated: 2019-11-18. Review status: no assertion criteria provided. Collection method: clinical testing. Allele origin: germline. Not counted in ClinVar's aggregate classification.

Mayo Clinic Laboratories, Mayo Clinic
Classification: Benign. Last evaluated: 2015-10-19. Review status: no assertion criteria provided. Collection method: clinical testing. Allele origin: unknown. Not counted in ClinVar's aggregate classification.

Counsyl
Classification: Likely benign for Glycogen storage disease, type II. Last evaluated: 2015-02-18. Review status: no assertion criteria provided. Collection method: literature only. Allele origin: unknown. Inheritance: Autosomal recessive inheritance. Not counted in ClinVar's aggregate classification.

Department of Pathology and Laboratory Medicine, Sinai Health System
Classification: Uncertain significance. Review status: no assertion criteria provided. Collection method: clinical testing. Allele origin: unknown. Affected: yes. Study: The Canadian Open Genetics Repository (COGR). Not counted in ClinVar's aggregate classification.
Comment: multiple AR variants in same gene - keep for nowAllele frequency is common in at least one population database (frequency: 77.927% in gnomAD_ExomesFounderPop) based on the frequency threshold of 2.76% for this gene.Variant was observed in a homozygous state in population databases more than expected for disease.

Diagnostic Laboratory, Department of Genetics, University Medical Center Groningen
Classification: Benign for Glycogen storage disease, type II. Review status: no assertion criteria provided. Collection method: clinical testing. Allele origin: germline. Affected: yes. Study: VKGL Data-share Consensus. Not counted in ClinVar's aggregate classification.

Genome Diagnostics Laboratory, University Medical Center Utrecht
Classification: Benign. Review status: no assertion criteria provided. Collection method: clinical testing. Allele origin: germline. Affected: yes. Study: VKGL Data-share Consensus. Not counted in ClinVar's aggregate classification.

Joint Genome Diagnostic Labs from Nijmegen and Maastricht, Radboudumc and MUMC+
Classification: Benign. Review status: no assertion criteria provided. Collection method: clinical testing. Allele origin: germline. Affected: yes. Study: VKGL Data-share Consensus. Not counted in ClinVar's aggregate classification.

Literature cited by the submitters: PubMed 7717400 (cited by Counsyl); PubMed 9521422 (cited by Counsyl); PubMed 17616415 (cited by Counsyl); PubMed 24008937 (cited by Counsyl).

NM_000152.5(GAA):c.668G>A (p.Arg223His)

Gene: GAA (alpha glucosidase; plus strand). Cytogenetic location: 17q25.3.
Variant type: single nucleotide variant.
Coding change: c.668G>A on transcript NM_000152.5 (MANE Select); coding-DNA position 668, G replaced by A.
Protein change: p.Arg223His; replaces arginine 223 with histidine.
Molecular consequence: missense variant.
Genome position (GRCh38, 1-based): chr17:80,105,870, G>A. VCF-style: chr17-80105870-G-A. GRCh37 (hg19) VCF-style: chr17-78079669-G-A.
Other names: c.668G>A, p.Arg223His (NM_001079803.3, NM_001079804.3, LRG_673t1); short protein forms R223H.
Identifiers: ClinVar variation 92488 (VCV000092488.45), dbSNP rs1042395, ClinGen allele CA145791.
Genomic context (GRCh38, chr17:80,105,870, plus strand): 5'-GGGCACCGTCCCCACTCTACAGCGTGGAGTTCTCCGAGGAGCCCTTCGGGGTGATCGTGC[G>A]CCGGCAGCTGGACGGCCGCGTGCTGTGAGTTCTGGGCTCTGTGCCAGCATGATGGGGAGG-3'
Protein context (NP_000143.2, residues 213-233): FSEEPFGVIV[Arg223His]RQLDGRVLLN